The following is an entry in ClinVar:

ClinVar aggregate classification (germline): Conflicting classifications of pathogenicity. Review status: criteria provided, conflicting classifications (1 of 4 stars). 2 submissions from 2 submitters: Uncertain significance (1); Likely benign (1). Last evaluated 2023-07-12.

Conditions:
Inborn genetic diseases. Identifiers: MedGen C0950123, MeSH D030342.

Allele frequency attached by ClinVar (database versions not stated): 1000 Genomes Project 0.00020; 1000 Genomes Project 30x 0.00031.
gnomAD v4.1: 120 of 1,613,438 alleles (0.0074%); highest among the groups gnomAD compares: South Asian, 0.12%; no homozygotes.

Submissions (2):

Ambry Genetics
Classification: Likely benign for Inborn genetic diseases. Last evaluated: 2023-07-12. Review status: criteria provided, single submitter. Criteria: Ambry Variant Classification Scheme 2023. Collection method: clinical testing. Allele origin: germline.

Labcorp Genetics (formerly Invitae), Labcorp
Classification: Uncertain significance. Last evaluated: 2022-08-09. Review status: criteria provided, single submitter. Criteria: Invitae Variant Classification Sherloc (09022015). Collection method: clinical testing. Allele origin: germline.
Comment: This sequence change replaces glycine, which is neutral and non-polar, with alanine, which is neutral and non-polar, at codon 701 of the DMXL2 protein (p.Gly701Ala). This variant is present in population databases (rs373506145, gnomAD 0.1%). This variant has not been reported in the literature in individuals affected with DMXL2-related conditions. Algorithms developed to predict the effect of missense changes on protein structure and function output the following: SIFT: "Tolerated"; PolyPhen-2: "Benign"; Align-GVGD: "Class C0". The alanine amino acid residue is found in multiple mammalian species, which suggests that this missense change does not adversely affect protein function. In summary, the available evidence is currently insufficient to determine the role of this variant in disease. Therefore, it has been classified as a Variant of Uncertain Significance.

NM_001378457.1(DMXL2):c.2102G>C (p.Gly701Ala)

Gene: DMXL2 (Dmx like 2; minus strand). Cytogenetic location: 15q21.2.
Variant type: single nucleotide variant.
Coding change: c.2102G>C on transcript NM_001378457.1 (MANE Select); coding-DNA position 2102, G replaced by C.
Protein change: p.Gly701Ala; replaces glycine 701 with alanine.
Molecular consequence: missense variant. On other transcripts: non-coding transcript variant (2).
Genome position (GRCh38, 1-based): chr15:51,536,378, C>G on the plus strand (G>C on the coding strand, the complement: DMXL2 is on the minus strand). VCF-style: chr15-51536378-C-G. GRCh37 (hg19) VCF-style: chr15-51828575-C-G.
Other names: c.2102G>C, p.Gly701Ala (NM_001174116.3, NM_001174117.3, NM_001378458.1 and 6 more transcripts); c.1862G>C, p.Gly621Ala (NM_001378464.1); c.2102G>C (NM_001174116.1); short protein forms G701A, G621A.
Identifiers: ClinVar variation 1919417 (VCV001919417.4), dbSNP rs373506145, ClinGen allele CA7562451.